The following is an entry in ClinVar:

NM_022765.4(MICAL1):c.2173C>T (p.His725Tyr)

Gene: MICAL1 (microtubule associated monooxygenase, calponin and LIM domain containing 1; minus strand). Cytogenetic location: 6q21.
Variant type: single nucleotide variant.
Coding change: c.2173C>T on transcript NM_022765.4 (MANE Select); coding-DNA position 2173, C replaced by T.
Protein change: p.His725Tyr; replaces histidine 725 with tyrosine.
Molecular consequence: missense variant.
Genome position (GRCh38, 1-based): chr6:109,447,127, G>A on the plus strand (C>T on the coding strand, the complement: MICAL1 is on the minus strand). VCF-style: chr6-109447127-G-A. GRCh37 (hg19) VCF-style: chr6-109768330-G-A.
Other names: c.1915C>T, p.His639Tyr (NM_001159291.2); c.2230C>T, p.His744Tyr (NM_001286613.2); short protein forms H639Y, H725Y, H744Y.
Identifiers: ClinVar variation 1946881 (VCV001946881.5), dbSNP rs1775261392, ClinGen allele CA365225452.

ClinVar aggregate classification (germline): Uncertain significance (1 of 4 stars; one submission).

Allele frequency attached by ClinVar (database versions not stated): gnomAD exomes below 0.00001; gnomAD 0.00001.
gnomAD v4.1: 3 of 1,614,082 alleles (0.00019%); highest among the groups gnomAD compares: Non-Finnish European, 0.00025%; no homozygotes.

Submission:

Labcorp Genetics (formerly Invitae), Labcorp
Classification: Uncertain significance. Last evaluated: 2025-09-02. Review status: criteria provided, single submitter. Criteria: Invitae Variant Classification Sherloc (09022015). Collection method: clinical testing. Allele origin: germline.
Comment: This sequence change replaces histidine, which is basic and polar, with tyrosine, which is neutral and polar, at codon 744 of the MICAL1 protein (p.His744Tyr). This variant is not present in population databases (gnomAD no frequency). This variant has not been reported in the literature in individuals affected with MICAL1-related conditions. ClinVar contains an entry for this variant (Variation ID: 1946881). An algorithm developed to predict the effect of missense changes on protein structure and function (PolyPhen-2) suggests that this variant is likely to be disruptive. In summary, the available evidence is currently insufficient to determine the role of this variant in disease. Therefore, it has been classified as a Variant of Uncertain Significance.